The following is an entry in ClinVar:

NM_003072.5(SMARCA4):c.2249T>A (p.Val750Asp)

Gene: SMARCA4 (SWI/SNF related BAF chromatin remodeling complex subunit ATPase 4; plus strand). Cytogenetic location: 19p13.2.
Variant type: single nucleotide variant.
Coding change: c.2249T>A on transcript NM_003072.5 (MANE Select); coding-DNA position 2249, T replaced by A.
Protein change: p.Val750Asp; replaces valine 750 with aspartic acid.
Molecular consequence: missense variant. On other transcripts: non-coding transcript variant (1).
Genome position (GRCh38, 1-based): chr19:11,010,506, T>A. VCF-style: chr19-11010506-T-A. GRCh37 (hg19) VCF-style: chr19-11121182-T-A.
Other names: c.2249T>A, p.Val750Asp (NM_001128844.3, NM_001128845.2, NM_001128846.2 and 5 more transcripts); short protein forms V750D.
Identifiers: ClinVar variation 1516701 (VCV001516701.8), dbSNP rs572673381, ClinGen allele CA404052925.
Genomic context (GRCh38, chr19:11,010,506, plus strand): 5'-CCTACTATGCCGTGGCCCATGCTGTCACTGAGAGAGTGGACAAGCAGTCAGCGCTTATGG[T>A]CAATGGTGTCCTCAAACAGTACCAGGTGAGGTAGGGGGTGGGGAGGCCACCGCCACGTAG-3'
Protein context (NP_003063.2, residues 740-760): ERVDKQSALM[Val750Asp]NGVLKQYQIK

ClinVar aggregate classification (germline): Uncertain significance (1 of 4 stars; one submission).

Conditions:
Rhabdoid tumor predisposition syndrome 2 (RTPS2). Identifiers: Orphanet 231108, Orphanet 69077, MedGen C2750074, MONDO:0013224, OMIM 613325.

Submission:

Labcorp Genetics (formerly Invitae), Labcorp
Classification: Uncertain significance for Rhabdoid tumor predisposition syndrome 2. Last evaluated: 2021-03-14. Review status: criteria provided, single submitter. Criteria: Invitae Variant Classification Sherloc (09022015). Collection method: clinical testing. Allele origin: germline.
Comment: This variant is not present in population databases (ExAC no frequency). This variant has not been reported in the literature in individuals with SMARCA4-related conditions. Algorithms developed to predict the effect of missense changes on protein structure and function are either unavailable or do not agree on the potential impact of this missense change (SIFT: "Deleterious"; PolyPhen-2: "Benign"; Align-GVGD: "Class C15"). In summary, the available evidence is currently insufficient to determine the role of this variant in disease. Therefore, it has been classified as a Variant of Uncertain Significance. This sequence change replaces valine with aspartic acid at codon 750 of the SMARCA4 protein (p.Val750Asp). The valine residue is highly conserved and there is a large physicochemical difference between valine and aspartic acid.